The following is an entry in ClinVar:

ClinVar aggregate classification (germline): Conflicting classifications of pathogenicity. Review status: criteria provided, conflicting classifications (1 of 4 stars). 2 submissions from 2 submitters: Uncertain significance (1); Likely benign (1). Last evaluated 2026-01-28.

Conditions:
Brunner syndrome (BRNRS). Identifiers: Orphanet 3057, MedGen C0796275, MONDO:0010379, OMIM 300615.
Inborn genetic diseases. Identifiers: MedGen C0950123, MeSH D030342.

Allele frequency attached by ClinVar (database versions not stated): gnomAD exomes 0.00001; ExAC 0.00003; ESP Exome Variant Server 0.00009; TOPMed 0.00009; gnomAD 0.00012.
gnomAD v4.1: 19 of 1,208,346 alleles (0.0016%); highest among the groups gnomAD compares: African/African-American, 0.028%; no homozygotes.

Submissions (2):

Labcorp Genetics (formerly Invitae), Labcorp
Classification: Uncertain significance for Brunner syndrome. Last evaluated: 2026-01-28. Review status: criteria provided, single submitter. Criteria: Invitae Variant Classification Sherloc (09022015). Collection method: clinical testing. Allele origin: germline.
Comment: This sequence change replaces valine, which is neutral and non-polar, with leucine, which is neutral and non-polar, at codon 189 of the MAOA protein (p.Val189Leu). This variant is present in population databases (rs142659522, gnomAD 0.04%). This variant has not been reported in the literature in individuals affected with MAOA-related conditions. ClinVar contains an entry for this variant (Variation ID: 2337203). Invitae Evidence Modeling of protein sequence and biophysical properties (such as structural, functional, and spatial information, amino acid conservation, physicochemical variation, residue mobility, and thermodynamic stability) indicates that this missense variant is not expected to disrupt MAOA protein function with a negative predictive value of 80%. In summary, the available evidence is currently insufficient to determine the role of this variant in disease. Therefore, it has been classified as a Variant of Uncertain Significance.

Ambry Genetics
Classification: Likely benign for Inborn genetic diseases. Last evaluated: 2022-12-19. Review status: criteria provided, single submitter. Criteria: Ambry Variant Classification Scheme 2023. Collection method: clinical testing. Allele origin: germline.

NM_000240.4(MAOA):c.565G>T (p.Val189Leu)

Gene: MAOA (monoamine oxidase A; plus strand). Cytogenetic location: Xp11.3.
Variant type: single nucleotide variant.
Coding change: c.565G>T on transcript NM_000240.4 (MANE Select); coding-DNA position 565, G replaced by T.
Protein change: p.Val189Leu; replaces valine 189 with leucine.
Molecular consequence: missense variant.
Genome position (GRCh38, 1-based): chrX:43,728,234, G>T. VCF-style: chrX-43728234-G-T. GRCh37 (hg19) VCF-style: chrX-43587481-G-T.
Other names: c.166G>T, p.Val56Leu (NM_001270458.2); short protein forms V189L, V56L.
Identifiers: ClinVar variation 2337203 (VCV002337203.3), dbSNP rs142659522, ClinGen allele CA10390800.